The following is an entry in ClinVar:

NM_002085.5(GPX4):c.48_49del (p.Cys16fs)

Genes: GPX4 (glutathione peroxidase 4; plus strand), LOC130062887 (ATAC-STARR-seq lymphoblastoid silent region 9665; plus strand). Cytogenetic location: 19p13.3.
Variant type: Microsatellite.
Coding change: c.48_49del on transcript NM_002085.5 (MANE Select); coding-DNA positions 48 to 49, 2 bases deleted (TG; older notation c.48_49delTG).
Protein change: p.Cys16fs; shifts the reading frame from cysteine 16.
Molecular consequence: frameshift variant. On other transcripts: 5 prime UTR variant (1).
Genome position (GRCh38, 1-based): chr19:1,104,091-1,104,092, TG deleted; deleting any 2 consecutive bases within chr19:1,104,089-1,104,092 gives the same sequence; the c. name uses the placement nearest the transcript's 3' end. VCF-style (leftmost placement, unchanged base first): chr19-1104088-CTG-C. GRCh37 (hg19) VCF-style: chr19-1104087-CTG-C.
Other names: c.48_49del, p.Cys16fs (NM_001039847.3); c.-36TG[1] (NM_001367832.1); short protein forms C16fs.
Identifiers: ClinVar variation 4849283 (VCV004849283.1).
Genomic context (GRCh38, chr19:1,104,088, plus strand): 5'-TCCCAGCCCCGCCGCGATGAGCCTCGGCCGCCTTTGCCGCCTACTGAAGCCGGCGCTGCT[CTG>C]TGGGGCTCTGGCCGCGCCTGGCCTGGCCGGGACCATGGTGAGCTAGCGCCGCGGCCGTTG-3'

ClinVar aggregate classification (germline): Likely pathogenic (1 of 4 stars; one submission).

Conditions:
Spondylometaphyseal dysplasia, Sedaghatian type. Also called: METAPHYSEAL CHONDRODYSPLASIA, CONGENITAL LETHAL; SEDAGHATIAN CHONDRODYSPLASIA; Lethal metaphyseal dysplasia. Identifiers: Orphanet 93317, MedGen C1855229, MONDO:0009593, OMIM 250220.

Submission:

First Genomix Gene Laboratory, Genetic Diagnostics Department
Classification: Likely pathogenic for Spondylometaphyseal dysplasia, Sedaghatian type. Last evaluated: 2025-05-19. Review status: criteria provided, single submitter. Criteria: ACMG Guidelines, 2015. Collection method: clinical testing. Allele origin: germline. Inheritance: Autosomal recessive inheritance. Affected: no. Observed: 1 variant allele.